The following is an entry in ClinVar:

ClinVar aggregate classification (germline): Uncertain significance (1 of 4 stars; one submission).

gnomAD v4.1: 1 of 1,612,656 alleles (0.000062%); highest among the groups gnomAD compares: Non-Finnish European, 0.000085%; no homozygotes.

Submission:

Labcorp Genetics (formerly Invitae), Labcorp
Classification: Uncertain significance. Last evaluated: 2025-10-08. Review status: criteria provided, single submitter. Criteria: Invitae Variant Classification Sherloc (09022015). Collection method: clinical testing. Allele origin: germline.
Comment: This sequence change replaces asparagine, which is neutral and polar, with lysine, which is basic and polar, at codon 459 of the SKIV2L protein (p.Asn459Lys). This variant is not present in population databases (gnomAD no frequency). This variant has not been reported in the literature in individuals affected with SKIV2L-related conditions. An algorithm developed to predict the effect of missense changes on protein structure and function (PolyPhen-2) suggests that this variant is likely to be disruptive. Algorithms developed to predict the effect of sequence changes on RNA splicing suggest that this variant may disrupt the consensus splice site. In summary, the available evidence is currently insufficient to determine the role of this variant in disease. Therefore, it has been classified as a Variant of Uncertain Significance.

NM_006929.5(SKIC2):c.1377C>A (p.Asn459Lys)

Gene: SKIC2 (SKI2 subunit of superkiller complex; plus strand). Cytogenetic location: 6p21.33.
Variant type: single nucleotide variant.
Coding change: c.1377C>A on transcript NM_006929.5 (MANE Select); coding-DNA position 1377, C replaced by A.
Protein change: p.Asn459Lys; replaces asparagine 459 with lysine.
Molecular consequence: missense variant.
Genome position (GRCh38, 1-based): chr6:31,963,065, C>A. VCF-style: chr6-31963065-C-A. GRCh37 (hg19) VCF-style: chr6-31930842-C-A.
Other names: short protein forms N459K.
Identifiers: ClinVar variation 4728695 (VCV004728695.1).
Genomic context (GRCh38, chr6:31,963,065, plus strand): 5'-GGTGCTTATCATGCTACCTGACCACGTTTCTATCATCCTTCTGAGTGCCACCGTCCCCAA[C>A]GCCCTTGAGTTTGCTGACTGGATTGGGTGAGACGTGTGTCCCGGGTTGCCTGGGTGAAGG-3'
Protein context (NP_008860.4, residues 449-469): SIILLSATVP[Asn459Lys]ALEFADWIGR